The following is an entry in ClinVar:

NM_001267550.2(TTN):c.43488G>A (p.Arg14496=)

Gene: TTN (titin; minus strand). Cytogenetic location: 2q31.2.
Variant type: single nucleotide variant.
Coding change: c.43488G>A on transcript NM_001267550.2 (MANE Select); coding-DNA position 43488, G replaced by A.
Protein change: p.Arg14496=; no amino-acid change (arginine 14496 retained).
Molecular consequence: synonymous variant.
Genome position (GRCh38, 1-based): chr2:178,632,406, C>T on the plus strand (G>A on the coding strand, the complement: TTN is on the minus strand). VCF-style: chr2-178632406-C-T. GRCh37 (hg19) VCF-style: chr2-179497133-C-T.
Other names: p.R11928R:CGG>CGA; p.Arg11928=; c.38565G>A, p.Arg12855= (NM_001256850.1); c.16293G>A, p.Arg5431= (NM_003319.4); c.35784G>A, p.Arg11928= (NM_133378.4); c.16668G>A, p.Arg5556= (NM_133432.3); c.16869G>A, p.Arg5623= (NM_133437.4).
Identifiers: ClinVar variation 46968 (VCV000046968.50), dbSNP rs56034831, ClinGen allele CA283234.
Genomic context (GRCh38, chr2:178,632,406, plus strand): 5'-AAATACAGCACTTTCCTTCTCTTTGGCAGTTACATCTTTGAGAGGGGTGAGGAATTTGAG[C>T]CGGATTCCTATCAAGAAAAAAAAGAAAGAACTTATTAATTGAAGCACTTTAAAGAAGAAA-3'
Protein context (NP_001254479.2, residues 14486-14506): TSGKLIIEGI[Arg14496=]LKFLTPLKDV

ClinVar aggregate classification (germline): Benign/Likely benign. Review status: criteria provided, multiple submitters, no conflicts (2 of 4 stars). 26 submissions from 19 submitters: Benign (17); Likely benign (4). 5 of the submissions do not count toward it. Last evaluated 2026-02-04.

Conditions:
Dilated cardiomyopathy 1G (CMD1G). Identifiers: Orphanet 154, MedGen C1858763, MONDO:0011400, OMIM 604145.
Autosomal recessive limb-girdle muscular dystrophy type 2J (LGMDR10). Also called: MUSCULAR DYSTROPHY, LIMB-GIRDLE, AUTOSOMAL RECESSIVE 10; Limb-girdle muscular dystrophy, type 2J. Identifiers: Orphanet 140922, MedGen C1837342, MONDO:0012127, OMIM 608807.
Cardiovascular phenotype. Identifiers: MedGen CN230736.
Early-onset myopathy with fatal cardiomyopathy (CMYO5). Also called: CONGENITAL MYOPATHY 5 WITH CARDIOMYOPATHY; Salih Myopathy. Identifiers: Orphanet 289377, MedGen C2673677, MONDO:0012714, OMIM 611705. Disease mechanism: loss of function.
Myopathy, myofibrillar, 9, with early respiratory failure (MFM9). Also called: Myopathy, distal, with early respiratory failure, autosomal dominant; Hereditary myopathy with early respiratory failure; MYOPATHY, PROXIMAL, WITH EARLY RESPIRATORY MUSCLE INVOLVEMENT; EDSTROM MYOPATHY. Identifiers: Orphanet 178464, Orphanet 34521, MedGen C1863599, MONDO:0011362, OMIM 603689.
Tibial muscular dystrophy (TMD). Also called: Udd Distal Myopathy – Tibial Muscular Dystrophy; Tibial muscular dystrophy, tardive; UDD MYOPATHY. Identifiers: Orphanet 609, MedGen C1838244, MONDO:0010870, OMIM 600334.

Allele frequency attached by ClinVar (database versions not stated): gnomAD exomes 0.01986 and 0.02658; 1000 Genomes Project 0.00699; ESP Exome Variant Server 0.02149; ExAC 0.02243; 1000 Genomes Project 30x 0.00703; TOPMed 0.01727; gnomAD 0.02043 and 0.02114.
gnomAD v4.1: 40,909 of 1,581,932 alleles (2.6%); highest among the groups gnomAD compares: Non-Finnish European, 3.1%; 616 homozygotes.

Submissions (26):

Labcorp Genetics (formerly Invitae), Labcorp
Classification: Benign for Dilated cardiomyopathy 1G; Autosomal recessive limb-girdle muscular dystrophy type 2J. Last evaluated: 2026-02-04. Review status: criteria provided, single submitter. Criteria: Invitae Variant Classification Sherloc (09022015). Collection method: clinical testing. Allele origin: germline.

ARUP Laboratories, Molecular Genetics and Genomics, ARUP Laboratories
Classification: Benign. Last evaluated: 2025-06-23. Review status: criteria provided, single submitter. Criteria: ARUP Molecular Germline Variant Investigation Process 2024. Collection method: clinical testing. Allele origin: germline.

Molecular Diagnostic Laboratory for Inherited Cardiovascular Disease, Montreal Heart Institute
Classification: Benign. Last evaluated: 2025-04-09. Review status: criteria provided, single submitter. Criteria: ACMG Guidelines, 2015. Collection method: clinical testing. Allele origin: germline. Affected: no.

Blueprint Genetics
Classification: Likely benign. Last evaluated: 2024-11-26. Review status: criteria provided, single submitter. Criteria: ACMG Guidelines, 2015. Collection method: clinical testing. Allele origin: germline.

Genome-Nilou Lab
Classification: Benign for Autosomal recessive limb-girdle muscular dystrophy type 2J. Last evaluated: 2021-09-10. Review status: criteria provided, single submitter. Criteria: ACMG Guidelines, 2015. Collection method: clinical testing. Allele origin: germline. Affected: no.

Genome-Nilou Lab
Classification: Benign for Myopathy, myofibrillar, 9, with early respiratory failure. Last evaluated: 2021-09-10. Review status: criteria provided, single submitter. Criteria: ACMG Guidelines, 2015. Collection method: clinical testing. Allele origin: germline. Affected: no.

Genome-Nilou Lab
Classification: Benign for Early-onset myopathy with fatal cardiomyopathy. Last evaluated: 2021-09-10. Review status: criteria provided, single submitter. Criteria: ACMG Guidelines, 2015. Collection method: clinical testing. Allele origin: germline. Affected: no.

Genome-Nilou Lab
Classification: Benign for Tibial muscular dystrophy. Last evaluated: 2021-09-10. Review status: criteria provided, single submitter. Criteria: ACMG Guidelines, 2015. Collection method: clinical testing. Allele origin: germline. Affected: no.

Women's Health and Genetics/Laboratory Corporation of America, LabCorp
Classification: Benign. Last evaluated: 2020-03-28. Review status: criteria provided, single submitter. Criteria: LabCorp Variant Classification Summary - May 2015. Collection method: clinical testing. Allele origin: germline.

Illumina Laboratory Services, Illumina
Classification: Likely benign for Autosomal recessive limb-girdle muscular dystrophy type 2J. Last evaluated: 2018-01-12. Review status: criteria provided, single submitter. Criteria: ICSL Variant Classification Criteria 13 December 2019. Collection method: clinical testing. Allele origin: germline.
Comment: This variant was observed in the ICSL laboratory as part of a predisposition screen in an ostensibly healthy population. It had not been previously curated by ICSL or reported in the Human Gene Mutation Database (HGMD: prior to June 1st, 2018), and was therefore a candidate for classification through an automated scoring system. Utilizing variant allele frequency, disease prevalence and penetrance estimates, and inheritance mode, an automated score was calculated to assess if this variant is too frequent to cause the disease. Based on the score and internal cut-off values, a variant classified as likely benign is not then subjected to further curation. The score for this variant resulted in a classification of likely benign for this disease.

Illumina Laboratory Services, Illumina
Classification: Benign for Tibial muscular dystrophy. Last evaluated: 2018-01-12. Review status: criteria provided, single submitter. Criteria: ICSL Variant Classification Criteria 13 December 2019. Collection method: clinical testing. Allele origin: germline.
Comment: This variant was observed in the ICSL laboratory as part of a predisposition screen in an ostensibly healthy population. It had not been previously curated by ICSL or reported in the Human Gene Mutation Database (HGMD: prior to June 1st, 2018), and was therefore a candidate for classification through an automated scoring system. Utilizing variant allele frequency, disease prevalence and penetrance estimates, and inheritance mode, an automated score was calculated to assess if this variant is too frequent to cause the disease. Based on the score and internal cut-off values, a variant classified as benign is not then subjected to further curation. The score for this variant resulted in a classification of benign for this disease.

Illumina Laboratory Services, Illumina
Classification: Likely benign for Dilated cardiomyopathy 1G. Last evaluated: 2018-01-12. Review status: criteria provided, single submitter. Criteria: ICSL Variant Classification Criteria 13 December 2019. Collection method: clinical testing. Allele origin: germline.
Comment: the same text as in the submission from Illumina Laboratory Services, Illumina above.

Illumina Laboratory Services, Illumina
Classification: Benign for Myopathy, myofibrillar, 9, with early respiratory failure. Last evaluated: 2018-01-12. Review status: criteria provided, single submitter. Criteria: ICSL Variant Classification Criteria 13 December 2019. Collection method: clinical testing. Allele origin: germline.
Comment: the same text as in the submission from Illumina Laboratory Services, Illumina above.

Illumina Laboratory Services, Illumina
Classification: Benign for Early-onset myopathy with fatal cardiomyopathy. Last evaluated: 2018-01-12. Review status: criteria provided, single submitter. Criteria: ICSL Variant Classification Criteria 13 December 2019. Collection method: clinical testing. Allele origin: germline.
Comment: the same text as in the submission from Illumina Laboratory Services, Illumina above.

Mayo Clinic Laboratories, Mayo Clinic
Classification: Benign. Last evaluated: 2017-12-01. Review status: criteria provided, single submitter. Criteria: ACMG Guidelines, 2015. Collection method: clinical testing. Allele origin: germline. Observed: 108 variant alleles.

Genetic Services Laboratory, University of Chicago
Classification: Benign for AllHighlyPenetrant. Last evaluated: 2013-08-15. Review status: criteria provided, single submitter. Criteria: ACMG Guidelines, 2007. Collection method: clinical testing. Allele origin: germline.

GeneDx
Classification: Benign. Last evaluated: 2013-03-20. Review status: criteria provided, single submitter. Criteria: GeneDx Variant Classification (06012015). Collection method: clinical testing. Allele origin: germline. Affected: yes.
Comment: This variant is considered likely benign or benign based on one or more of the following criteria: it is a conservative change, it occurs at a poorly conserved position in the protein, it is predicted to be benign by multiple in silico algorithms, and/or has population frequency not consistent with disease.

Ambry Genetics
Classification: Benign for Cardiovascular phenotype. Last evaluated: 2012-09-19. Review status: criteria provided, single submitter. Criteria: Ambry Autosomal Dominant and X-Linked criteria (10/2015). Collection method: clinical testing. Allele origin: germline. Observed: 1 variant allele.

Laboratory for Molecular Medicine, Mass General Brigham Personalized Medicine
Classification: Benign. Last evaluated: 2011-09-16. Review status: criteria provided, single submitter. Criteria: LMM Criteria. Collection method: clinical testing. Allele origin: germline. Observed: 92 variant alleles.

Breakthrough Genomics
Classification: Likely benign. Review status: criteria provided, single submitter. Criteria: ACMG Guidelines, 2015. Collection method: not provided. Allele origin: germline. Inheritance: Autosomal recessive inheritance. Affected: yes.

PreventionGenetics, part of Exact Sciences
Classification: Benign. Review status: criteria provided, single submitter. Criteria: ACMG Guidelines, 2015. Collection method: clinical testing. Allele origin: germline.

Clinical Genetics DNA and cytogenetics Diagnostics Lab, Erasmus MC, Erasmus Medical Center
Classification: Benign. Review status: no assertion criteria provided. Collection method: clinical testing. Allele origin: germline. Affected: yes. Study: VKGL Data-share Consensus. Not counted in ClinVar's aggregate classification.

Clinical Genetics, Academic Medical Center
Classification: Benign. Review status: no assertion criteria provided. Collection method: clinical testing. Allele origin: germline. Affected: yes. Study: VKGL Data-share Consensus. Not counted in ClinVar's aggregate classification.

Diagnostic Laboratory, Department of Genetics, University Medical Center Groningen
Classification: Likely benign. Review status: no assertion criteria provided. Collection method: clinical testing. Allele origin: germline. Affected: yes. Study: VKGL Data-share Consensus. Not counted in ClinVar's aggregate classification.

Joint Genome Diagnostic Labs from Nijmegen and Maastricht, Radboudumc and MUMC+
Classification: Benign. Review status: no assertion criteria provided. Collection method: clinical testing. Allele origin: germline. Affected: yes. Study: VKGL Data-share Consensus. Not counted in ClinVar's aggregate classification.

Laboratory of Diagnostic Genome Analysis, Leiden University Medical Center (LUMC)
Classification: Likely benign. Review status: no assertion criteria provided. Collection method: clinical testing. Allele origin: germline. Affected: yes. Study: VKGL Data-share Consensus. Not counted in ClinVar's aggregate classification.